The following is an entry in ClinVar:

ClinVar aggregate classification (germline): Benign/Likely benign. Review status: criteria provided, multiple submitters, no conflicts (2 of 4 stars). 3 submissions from 3 submitters: Benign (1); Likely benign (2). Last evaluated 2025-12-24.

Conditions:
Hyperuricemia, pulmonary hypertension, renal failure, alkalosis syndrome (HUPRAS). Also called: HYPERURICEMIA, PULMONARY HYPERTENSION, RENAL FAILURE, AND ALKALOSIS SYNDROME; HUPRA SYNDROME. Identifiers: Orphanet 363694, MedGen C3151209, MONDO:0013458, OMIM 613845.

Allele frequency attached by ClinVar (database versions not stated): gnomAD exomes 0.00026; ExAC 0.00040; ESP Exome Variant Server 0.00046; 1000 Genomes Project 0.00060; 1000 Genomes Project 30x 0.00078; gnomAD 0.00128 and 0.00136; TOPMed 0.00132.

Submissions (3):

Labcorp Genetics (formerly Invitae), Labcorp
Classification: Benign. Last evaluated: 2025-12-24. Review status: criteria provided, single submitter. Criteria: Invitae Variant Classification Sherloc (09022015). Collection method: clinical testing. Allele origin: germline.

Fulgent Genetics
Classification: Likely benign for Hyperuricemia, pulmonary hypertension, renal failure, alkalosis syndrome. Last evaluated: 2021-07-29. Review status: criteria provided, single submitter. Criteria: ACMG Guidelines, 2015. Collection method: clinical testing. Allele origin: unknown.

GeneDx
Classification: Likely benign. Last evaluated: 2017-09-01. Review status: criteria provided, single submitter. Criteria: GeneDx Variant Classification (06012015). Collection method: clinical testing. Allele origin: germline. Affected: yes.
Comment: This variant is considered likely benign or benign based on one or more of the following criteria: it is a conservative change, it occurs at a poorly conserved position in the protein, it is predicted to be benign by multiple in silico algorithms, and/or has population frequency not consistent with disease.

NM_017827.4(SARS2):c.963-17T>C

Gene: SARS2 (seryl-tRNA synthetase 2, mitochondrial; minus strand). Cytogenetic location: 19q13.2.
Variant type: single nucleotide variant.
Coding change: c.963-17T>C on transcript NM_017827.4 (MANE Select); 17 bases into the intron before coding-DNA position 963, T replaced by C.
Molecular consequence: intron variant.
Genome position (GRCh38, 1-based): chr19:38,918,025, A>G on the plus strand (T>C on the coding strand, the complement: SARS2 is on the minus strand). VCF-style: chr19-38918025-A-G. GRCh37 (hg19) VCF-style: chr19-39408665-A-G.
Other names: c.969-17T>C (NM_001145901.2).
Identifiers: ClinVar variation 516609 (VCV000516609.7), dbSNP rs201465773, ClinGen allele CA9422925.